The following is an entry in ClinVar:

ClinVar aggregate classification (germline): Pathogenic/Likely pathogenic. Review status: criteria provided, multiple submitters, no conflicts (2 of 4 stars). 2 submissions from 2 submitters: Pathogenic (1); Likely pathogenic (1). Last evaluated 2022-11-12.

Conditions:
Charlevoix-Saguenay spastic ataxia (SACS). Also called: Spastic ataxia of Charlevoix-Saguenay; SPASTIC ATAXIA 6, AUTOSOMAL RECESSIVE; AUTOSOMAL RECESSIVE SPASTIC ATAXIA OF CHARLEVOIX-SAGUENAY. Identifiers: Orphanet 98, MedGen C1849140, MONDO:0010041, OMIM 270550.
Spastic paraplegia. Identifiers: MedGen C0037772, HP:0001258.

Submissions (2):

Labcorp Genetics (formerly Invitae), Labcorp
Classification: Pathogenic for Spastic paraplegia. Last evaluated: 2022-11-12. Review status: criteria provided, single submitter. Criteria: Invitae Variant Classification Sherloc (09022015). Collection method: clinical testing. Allele origin: germline.
Comment: This sequence change creates a premature translational stop signal (p.Gln3516*) in the SACS gene. While this is not anticipated to result in nonsense mediated decay, it is expected to disrupt the last 1064 amino acid(s) of the SACS protein. This variant is not present in population databases (gnomAD no frequency). This variant has not been reported in the literature in individuals affected with SACS-related conditions. ClinVar contains an entry for this variant (Variation ID: 813434). This variant disrupts a region of the SACS protein in which other variant(s) (p.Asn4549Asp) have been determined to be pathogenic (PMID: 15156359, 21507954). This suggests that this is a clinically significant region of the protein, and that variants that disrupt it are likely to be disease-causing. For these reasons, this variant has been classified as Pathogenic.

Baylor Genetics
Classification: Likely pathogenic for Charlevoix-Saguenay spastic ataxia. Review status: criteria provided, single submitter. Criteria: ACMG Guidelines, 2015. Collection method: clinical testing. Allele origin: germline.

Literature cited by the submitters: PubMed 15156359 (cited by Labcorp Genetics (formerly Invitae), Labcorp); PubMed 21507954 (cited by Labcorp Genetics (formerly Invitae), Labcorp).

NM_014363.6(SACS):c.10546C>T (p.Gln3516Ter)

Gene: SACS (sacsin molecular chaperone; minus strand). Cytogenetic location: 13q12.12.
Variant type: single nucleotide variant.
Coding change: c.10546C>T on transcript NM_014363.6 (MANE Select); coding-DNA position 10546, C replaced by T.
Protein change: p.Gln3516Ter; replaces glutamine 3516 with a stop codon.
Molecular consequence: nonsense.
Genome position (GRCh38, 1-based): chr13:23,333,330, G>A on the plus strand (C>T on the coding strand, the complement: SACS is on the minus strand). VCF-style: chr13-23333330-G-A. GRCh37 (hg19) VCF-style: chr13-23907469-G-A.
Other names: c.10105C>T, p.Gln3369Ter (NM_001278055.2); short protein forms Q3369*, Q3516*.
Identifiers: ClinVar variation 813434 (VCV000813434.4), dbSNP rs1593123432, ClinGen allele CA387511967.